The following is an entry in ClinVar:

NM_002230.4(JUP):c.801C>T (p.Ala267=)

Gene: JUP (junction plakoglobin; minus strand). Cytogenetic location: 17q21.2.
Variant type: single nucleotide variant.
Coding change: c.801C>T on transcript NM_002230.4 (MANE Select); coding-DNA position 801, C replaced by T.
Protein change: p.Ala267=; no amino-acid change (alanine 267 retained).
Molecular consequence: synonymous variant.
Genome position (GRCh38, 1-based): chr17:41,767,487, G>A on the plus strand (C>T on the coding strand, the complement: JUP is on the minus strand). VCF-style: chr17-41767487-G-A. GRCh37 (hg19) VCF-style: chr17-39923739-G-A.
Other names: c.801C>T, p.Ala267= (NM_001352773.2, NM_001352774.2, NM_001352775.2 and 3 more transcripts).
Identifiers: ClinVar variation 163723 (VCV000163723.27), dbSNP rs138397457, ClinGen allele CA176399.

ClinVar aggregate classification (germline): Conflicting classifications of pathogenicity. Review status: criteria provided, conflicting classifications (1 of 4 stars). 11 submissions from 10 submitters: Uncertain significance (2); Benign (3); Likely benign (4). 2 of the submissions do not count toward it. Last evaluated 2026-05-01.

Conditions:
Cardiovascular phenotype. Identifiers: MedGen CN230736.
Arrhythmogenic right ventricular dysplasia 12. Also called: ARRHYTHMOGENIC RIGHT VENTRICULAR DYSPLASIA, FAMILIAL, 12. Identifiers: MedGen C1969081, MONDO:0012684, OMIM 611528.
Naxos disease (NXD). Also called: MAL DE NAXOS; PALMOPLANTAR KERATODERMA WITH ARRHYTHMOGENIC RIGHT VENTRICULAR CARDIOMYOPATHY AND WOOLLY HAIR; WOOLLY HAIR, PALMOPLANTAR KERATODERMA, AND CARDIAC ABNORMALITIES; CARDIOMYOPATHY, ARRHYTHMOGENIC RIGHT VENTRICULAR, WITH SKIN, HAIR, AND NAIL ABNORMALITIES; KERATOSIS PALMOPLANTARIS WITH ARRHYTHMOGENIC CARDIOMYOPATHY. Identifiers: Orphanet 34217, MedGen C1832600, MONDO:0011017, OMIM 601214.

Allele frequency attached by ClinVar (database versions not stated): gnomAD exomes 0.00008 and 0.00020; gnomAD 0.00014 and 0.00015; ESP Exome Variant Server 0.00015; 1000 Genomes Project 30x 0.00016; ExAC 0.00017; TOPMed 0.00019; 1000 Genomes Project 0.00020.
gnomAD v4.1: 154 of 1,614,042 alleles (0.0095%); highest among the groups gnomAD compares: Admixed American, 0.032%; no homozygotes.

Submissions (11):

CeGaT Center for Human Genetics Tuebingen
Classification: Likely benign. Last evaluated: 2026-05-01. Review status: criteria provided, single submitter. Criteria: CeGaT Center For Human Genetics Tuebingen Variant Classification Criteria Version 2. Collection method: clinical testing. Allele origin: germline. Affected: yes. Observed: 1 variant allele.
Comment: JUP: BP4, BP7

Labcorp Genetics (formerly Invitae), Labcorp
Classification: Likely benign for Arrhythmogenic right ventricular dysplasia 12; Naxos disease. Last evaluated: 2026-02-01. Review status: criteria provided, single submitter. Criteria: Invitae Variant Classification Sherloc (09022015). Collection method: clinical testing. Allele origin: germline.

Laboratory of Genetics, Children's Clinical University Hospital Latvia
Classification: Benign. Last evaluated: 2025-02-16. Review status: criteria provided, single submitter. Criteria: ACMG Guidelines, 2015. Collection method: clinical testing. Allele origin: germline. Affected: yes.

Women's Health and Genetics/Laboratory Corporation of America, LabCorp
Classification: Benign. Last evaluated: 2024-12-20. Review status: criteria provided, single submitter. Criteria: LabCorp Variant Classification Summary - May 2015. Collection method: clinical testing. Allele origin: germline.

Ambry Genetics
Classification: Benign for Cardiovascular phenotype. Last evaluated: 2019-11-12. Review status: criteria provided, single submitter. Criteria: Ambry Variant Classification Scheme 2023. Collection method: clinical testing. Allele origin: germline.

GeneDx
Classification: Likely benign. Last evaluated: 2019-03-20. Review status: criteria provided, single submitter. Criteria: GeneDx Variant Classification Process June 2021. Collection method: clinical testing. Allele origin: germline. Affected: yes.

Illumina Laboratory Services, Illumina
Classification: Uncertain significance for Arrhythmogenic right ventricular dysplasia 12. Last evaluated: 2018-01-13. Review status: criteria provided, single submitter. Criteria: ICSL Variant Classification Criteria 13 December 2019. Collection method: clinical testing. Allele origin: germline.

Illumina Laboratory Services, Illumina
Classification: Uncertain significance for Naxos disease. Last evaluated: 2018-01-13. Review status: criteria provided, single submitter. Criteria: ICSL Variant Classification Criteria 13 December 2019. Collection method: clinical testing. Allele origin: germline.

Laboratory for Molecular Medicine, Mass General Brigham Personalized Medicine
Classification: Likely benign. Last evaluated: 2012-03-19. Review status: criteria provided, single submitter. Criteria: LMM Criteria. Collection method: clinical testing. Allele origin: germline. Observed: 1 variant allele.
Comment: p.Ala267Ala in Exon 05 of JUP: This variant is not expected to have clinical sig nificance because it does not alter an amino acid residue, is not located within the splice consensus sequence. It has been identified in 1/7020 European Americ an chromosomes from a broad population by the NHLBI Exome Sequencing Project (dbSNP rs138397457).

Clinical Genetics DNA and cytogenetics Diagnostics Lab, Erasmus MC, Erasmus Medical Center
Classification: Likely benign. Review status: no assertion criteria provided. Collection method: clinical testing. Allele origin: germline. Affected: yes. Study: VKGL Data-share Consensus. Not counted in ClinVar's aggregate classification.

Clinical Genetics, Academic Medical Center
Classification: Benign. Review status: no assertion criteria provided. Collection method: clinical testing. Allele origin: germline. Affected: yes. Study: VKGL Data-share Consensus. Not counted in ClinVar's aggregate classification.